The following is an entry in ClinVar:

ClinVar aggregate classification (germline): Uncertain significance (1 of 4 stars; one submission).

Submission:

Labcorp Genetics (formerly Invitae), Labcorp
Classification: Uncertain significance. Last evaluated: 2024-06-30. Review status: criteria provided, single submitter. Criteria: Invitae Variant Classification Sherloc (09022015). Collection method: clinical testing. Allele origin: germline.
Comment: This sequence change results in a frameshift in the MESP1 gene (p.Glu266Glyfs*13). While this is not anticipated to result in nonsense mediated decay, it is expected to disrupt the last 3 amino acid(s) of the MESP1 protein and extend the protein by 9 additional amino acid residues. This variant is not present in population databases (gnomAD no frequency). This variant has not been reported in the literature in individuals affected with MESP1-related conditions. Experimental studies and prediction algorithms are not available or were not evaluated, and the functional significance of this variant is currently unknown. In summary, the available evidence is currently insufficient to determine the role of this variant in disease. Therefore, it has been classified as a Variant of Uncertain Significance.

NM_018670.4(MESP1):c.797del (p.Glu266fs)

Gene: MESP1 (mesoderm posterior bHLH transcription factor 1; minus strand). Cytogenetic location: 15q26.1.
Variant type: Deletion.
Coding change: c.797del on transcript NM_018670.4 (MANE Select); coding-DNA position 797, one base deleted (A; older notation c.797delA).
Protein change: p.Glu266fs; shifts the reading frame from glutamic acid 266.
Molecular consequence: frameshift variant.
Genome position (GRCh38, 1-based): chr15:89,750,154, T deleted on the plus strand (A on the coding strand, the reverse complement: MESP1 is on the minus strand). VCF-style (leftmost placement, unchanged base first): chr15-89750153-CT-C. GRCh37 (hg19) VCF-style: chr15-90293384-CT-C.
Other names: short protein forms E266fs.
Identifiers: ClinVar variation 3658274 (VCV003658274.2).